The following is an entry in ClinVar:

ClinVar aggregate classification (germline): Benign/Likely benign. Review status: criteria provided, multiple submitters, no conflicts (2 of 4 stars). 10 submissions from 10 submitters: Benign (8); Likely benign (2). Last evaluated 2025-07-28.

Conditions:
KIF1A related neurological disorder. Identifiers: MedGen CN312623, MONDO:0700055.
Inborn genetic diseases. Identifiers: MedGen C0950123, MeSH D030342.
Hereditary spastic paraplegia 30. Identifiers: Orphanet 101010, MedGen C5235139, MONDO:0012476.

Submissions (10):

ARUP Laboratories, Molecular Genetics and Genomics, ARUP Laboratories
Classification: Benign. Last evaluated: 2025-07-28. Review status: criteria provided, single submitter. Criteria: ARUP Molecular Germline Variant Investigation Process 2024. Collection method: clinical testing. Allele origin: germline.

Laboratory of Genetics, Children's Clinical University Hospital Latvia
Classification: Benign. Last evaluated: 2025-02-16. Review status: criteria provided, single submitter. Criteria: ACMG Guidelines, 2015. Collection method: clinical testing. Allele origin: germline. Affected: yes.

Blueprint Genetics
Classification: Likely benign. Last evaluated: 2024-11-26. Review status: criteria provided, single submitter. Criteria: ACMG Guidelines, 2015. Collection method: clinical testing. Allele origin: germline.

Victorian Clinical Genetics Services, Murdoch Childrens Research Institute
Classification: Benign for Spastic paraplegia 30A, autosomal dominant. Last evaluated: 2023-07-17. Review status: criteria provided, single submitter. Criteria: ACMG Guidelines, 2015. Collection method: clinical testing. Allele origin: germline. Inheritance: Autosomal recessive inheritance.
Comment: Based on the classification scheme VCGS_Germline_v1.3.4, this variant is classified as benign. Following criteria are met: 0308 - Population frequency for this variant is out of keeping with known incidence of spastic paraplegia 30, autosomal recessive (MIM#610357), with 26,739 homozygotes in gnomAD v3. (SB) Legend: (SP) - Supporting pathogenic, (I) - Information, (SB) - Supporting benign

Molecular Genetics, Royal Melbourne Hospital
Classification: Benign for KIF1A related neurological disorder. Last evaluated: 2023-05-04. Review status: criteria provided, single submitter. Criteria: ACMG Guidelines, 2015. Collection method: clinical testing. Allele origin: germline. Affected: yes.
Comment: African population allele frequency is 75.16% (rs143816642, 57824/110140 alleles, 11329 homozygotes in gnomAD v2.1). Based on the classification scheme RMH Modified ACMG/AMP Guidelines v1.6.1, this variant is classified as BENIGN. Following criteria are met: BA1

Ambry Genetics
Classification: Likely benign for Inborn genetic diseases. Last evaluated: 2020-11-12. Review status: criteria provided, single submitter. Criteria: Ambry Variant Classification Scheme 2023. Collection method: clinical testing. Allele origin: germline.

Athena Diagnostics
Classification: Benign. Last evaluated: 2019-08-26. Review status: criteria provided, single submitter. Criteria: Athena Diagnostics Criteria. Collection method: clinical testing. Allele origin: unknown.

Laboratory for Molecular Medicine, Mass General Brigham Personalized Medicine
Classification: Benign. Last evaluated: 2016-03-28. Review status: criteria provided, single submitter. Criteria: LMM Criteria. Collection method: clinical testing. Allele origin: germline.
Comment: Variant identified in a genome or exome case(s) and assessed due to predicted null impact of the variant or pathogenic assertions in the literature or databases. Disclaimer: This variant has not undergone full assessment. The following are preliminary notes: Frequency

Eurofins Ntd Llc (ga)
Classification: Benign. Last evaluated: 2015-10-21. Review status: criteria provided, single submitter. Criteria: EGL Classification Definitions 2015. Collection method: clinical testing. Allele origin: germline. Observed: 2 variant alleles, 2 homozygotes.

GeneDx
Classification: Benign. Last evaluated: 2015-03-03. Review status: criteria provided, single submitter. Criteria: GeneDx Variant Classification Process June 2021. Collection method: clinical testing. Allele origin: germline. Affected: yes.

NM_001244008.2(KIF1A):c.2721GGA[10] (p.Glu917del)

Gene: KIF1A (kinesin family member 1A; minus strand). Cytogenetic location: 2q37.3.
Variant type: Microsatellite.
Coding change: c.2721GGA[10] on transcript NM_001244008.2 (MANE Select); ten copies in a row of the 3-base unit GGA starting at c.2721; the reference has 11 copies in a row; one copy, 3 bases deleted.
Protein change: p.Glu917del; deletes glutamic acid 917.
Molecular consequence: inframe deletion. On other transcripts: intron variant (18).
Genome position (GRCh38, 1-based): chr2:240,757,424-240,757,426, TCC deleted on the plus strand (GGA on the coding strand, the reverse complement: KIF1A is on the minus strand); deleting any 3 consecutive bases within chr2:240,757,424-240,757,456 gives the same sequence; the position shown is the placement nearest the transcript's 3' end. VCF-style (leftmost placement, unchanged base first): chr2-240757423-ATCC-A. GRCh37 (hg19) VCF-style: chr2-241696840-ATCC-A.
Other names: c.2751_2753delGGA (NM_001244008.1, NM_001244008.2); c.2796GGA[10], p.Glu942del (NM_001379631.1); c.2670GGA[10], p.Glu900del (NM_001379632.1); c.2694GGA[10], p.Glu908del (NM_001379633.1, NM_001379642.1, NM_001379645.1); c.2555+904GGA[10] (NM_001379653.1, NM_001379650.1, NM_001379640.1 and 6 more transcripts); c.2657+904GGA[10] (NM_001379635.1, NM_001330290.2, NM_001379646.1 and 1 more transcripts); c.2630+904GGA[10] (NM_001379637.1, NM_001379648.1); c.2582+904GGA[10] (NM_001320705.2, NM_001379638.1, NM_001330289.2); short protein forms E917del, E900del, E908del, E942del.
Identifiers: ClinVar variation 284274 (VCV000284274.21), dbSNP rs10594016, ClinGen allele CA2208029.